The following is an entry in ClinVar:

ClinVar aggregate classification (germline): Uncertain significance. Review status: criteria provided, multiple submitters, no conflicts (2 of 4 stars). 2 submissions from 2 submitters: Uncertain significance (2). Last evaluated 2025-02-13.

Conditions:
Inborn genetic diseases. Identifiers: MedGen C0950123, MeSH D030342.

gnomAD v4.1: 49 of 1,609,622 alleles (0.003%); highest among the groups gnomAD compares: Admixed American, 0.005%; no homozygotes.

Submissions (2):

Ambry Genetics
Classification: Uncertain significance for Inborn genetic diseases. Last evaluated: 2025-02-13. Review status: criteria provided, single submitter. Criteria: Ambry Variant Classification Scheme 2023. Collection method: clinical testing. Allele origin: germline.

Labcorp Genetics (formerly Invitae), Labcorp
Classification: Uncertain significance. Last evaluated: 2022-04-07. Review status: criteria provided, single submitter. Criteria: Invitae Variant Classification Sherloc (09022015). Collection method: clinical testing. Allele origin: germline.
Comment: In summary, the available evidence is currently insufficient to determine the role of this variant in disease. Therefore, it has been classified as a Variant of Uncertain Significance. Algorithms developed to predict the effect of missense changes on protein structure and function (SIFT, PolyPhen-2, Align-GVGD) all suggest that this variant is likely to be disruptive. This variant has not been reported in the literature in individuals affected with H6PD-related conditions. This variant is present in population databases (rs751449332, gnomAD 0.006%). This sequence change replaces glycine, which is neutral and non-polar, with aspartic acid, which is acidic and polar, at codon 592 of the H6PD protein (p.Gly592Asp).

NM_004285.4(H6PD):c.1775G>A (p.Gly592Asp)

Gene: H6PD (hexose-6-phosphate dehydrogenase/glucose 1-dehydrogenase; plus strand). Cytogenetic location: 1p36.22.
Variant type: single nucleotide variant.
Coding change: c.1775G>A on transcript NM_004285.4 (MANE Select); coding-DNA position 1775, G replaced by A.
Protein change: p.Gly592Asp; replaces glycine 592 with aspartic acid.
Molecular consequence: missense variant.
Genome position (GRCh38, 1-based): chr1:9,264,268, G>A. VCF-style: chr1-9264268-G-A. GRCh37 (hg19) VCF-style: chr1-9324327-G-A.
Other names: c.1808G>A, p.Gly603Asp (NM_001282587.2); c.1775G>A (NM_004285.3); short protein forms G592D, G603D.
Identifiers: ClinVar variation 1986927 (VCV001986927.5), dbSNP rs751449332, ClinGen allele CA575415.